The following is an entry in ClinVar:

ClinVar aggregate classification (germline): Uncertain significance (1 of 4 stars; one submission).

Submission:

GeneDx
Classification: Uncertain significance. Last evaluated: 2024-09-29. Review status: criteria provided, single submitter. Criteria: GeneDx Variant Classification Process June 2021. Collection method: clinical testing. Allele origin: germline. Affected: yes.
Comment: Not observed at significant frequency in large population cohorts (gnomAD); In silico analysis indicates that this missense variant does not alter protein structure/function; Has not been previously published as pathogenic or benign to our knowledge

NM_001379451.1(BCORL1):c.5278A>G (p.Thr1760Ala)

Gene: BCORL1 (BCL6 corepressor like 1; plus strand). Cytogenetic location: Xq26.1.
Variant type: single nucleotide variant.
Coding change: c.5278A>G on transcript NM_001379451.1 (MANE Select); coding-DNA position 5278, A replaced by G.
Protein change: p.Thr1760Ala; replaces threonine 1760 with alanine.
Molecular consequence: missense variant.
Genome position (GRCh38, 1-based): chrX:130,056,056, A>G. VCF-style: chrX-130056056-A-G. GRCh37 (hg19) VCF-style: chrX-129190031-A-G.
Other names: c.5278A>G, p.Thr1760Ala (NM_001184772.3, NM_001379450.1); c.5056A>G, p.Thr1686Ala (NM_021946.5); short protein forms T1686A, T1760A.
Identifiers: ClinVar variation 3776435 (VCV003776435.1).
Genomic context (GRCh38, chrX:130,056,056, plus strand): 5'-CTGACCCCTGCCGAGAGGCCTGGAGGCTTGGACGACAGATCCCCCCCAGGCTCCTCTGAG[A>G]CTGTGGAGCTGGTGCGGTACGAGCCAGACCTACTTCGGCTCCTAGGGTCCGAGGTGGAAT-3'
Protein context (NP_001366380.1, residues 1750-1770): DDRSPPGSSE[Thr1760Ala]VELVRYEPDL